The following is an entry in ClinVar:

NM_024675.4(PALB2):c.106C>G (p.Gln36Glu)

Gene: PALB2 (partner and localizer of BRCA2; minus strand). Cytogenetic location: 16p12.2.
Variant type: single nucleotide variant.
Coding change: c.106C>G on transcript NM_024675.4 (MANE Select); coding-DNA position 106, C replaced by G.
Protein change: p.Gln36Glu; replaces glutamine 36 with glutamic acid.
Molecular consequence: missense variant. On other transcripts: 5 prime UTR variant (8), intron variant (4).
Genome position (GRCh38, 1-based): chr16:23,638,072, G>C on the plus strand (C>G on the coding strand, the complement: PALB2 is on the minus strand). VCF-style: chr16-23638072-G-C. GRCh37 (hg19) VCF-style: chr16-23649393-G-C.
Other names: c.106C>G, p.Gln36Glu (NM_001407297.1, NM_001407298.1, NM_001407299.1 and 3 more transcripts); c.-780C>G (NM_001407304.1, NM_001407305.1, NM_001407306.1 and 5 more transcripts); c.48+3038C>G (NM_001407314.1); c.-105+3038C>G (NM_001407313.1, NM_001407312.1); c.49-120C>G (NM_001407296.1); short protein forms Q36E.
Identifiers: ClinVar variation 4712876 (VCV004712876.1).
Genomic context (GRCh38, chr16:23,638,072, plus strand): 5'-AACTGTTTTTAAATTGTTTGTACTATAACACCTTAATTTGAGAATACGATTCACTTACCT[G>C]AAGGCGGGCTAGTGTCTTGCTGTATTCCCTTTTCAAGAATGCTAATTTCTCCTTTAACTG-3'
Protein context (NP_078951.2, residues 26-46): REYSKTLARL[Gln36Glu]RAQRAEKIKH

ClinVar aggregate classification (germline): Uncertain significance (1 of 4 stars; one submission).

Conditions:
Familial cancer of breast. Also called: hereditary breast carcinoma; BREAST CANCER, FAMILIAL; Hereditary breast cancer. Identifiers: Orphanet 227535, MedGen C0346153, MONDO:0016419, OMIM 114480. Disease mechanism: loss of function.

Submission:

Labcorp Genetics (formerly Invitae), Labcorp
Classification: Uncertain significance for Familial cancer of breast. Last evaluated: 2025-02-12. Review status: criteria provided, single submitter. Criteria: Invitae Variant Classification Sherloc (09022015). Collection method: clinical testing. Allele origin: germline.
Comment: This sequence change replaces glutamine, which is neutral and polar, with glutamic acid, which is acidic and polar, at codon 36 of the PALB2 protein (p.Gln36Glu). This variant is not present in population databases (gnomAD no frequency). This variant has not been reported in the literature in individuals affected with PALB2-related conditions. An algorithm developed to predict the effect of missense changes on protein structure and function (PolyPhen-2) suggests that this variant is likely to be disruptive. In summary, the available evidence is currently insufficient to determine the role of this variant in disease. Therefore, it has been classified as a Variant of Uncertain Significance.